The following is an entry in ClinVar:

NM_022166.4(XYLT1):c.402+1G>T

Gene: XYLT1 (xylosyltransferase 1; minus strand). Cytogenetic location: 16p12.3.
Variant type: single nucleotide variant.
Coding change: c.402+1G>T on transcript NM_022166.4 (MANE Select); the canonical splice donor site of the intron after coding-DNA position 402, G replaced by T.
Molecular consequence: splice donor variant.
Genome position (GRCh38, 1-based): chr16:17,358,011, C>A on the plus strand (G>T on the coding strand, the complement: XYLT1 is on the minus strand). VCF-style: chr16-17358011-C-A. GRCh37 (hg19) VCF-style: chr16-17451868-C-A.
Identifiers: ClinVar variation 4690451 (VCV004690451.1).

ClinVar aggregate classification (germline): Likely pathogenic (1 of 4 stars; one submission).

Conditions:
Desbuquois dysplasia 1 (DBQD1). Also called: MICROMELIC DWARFISM WITH VERTEBRAL AND METAPHYSEAL ABNORMALITIES AND ADVANCED CARPOTARSAL OSSIFICATION; DESBUQUOIS DYSPLASIA 1, KIM VARIANT. Identifiers: Orphanet 1425, MedGen C4012146, MONDO:0009629, OMIM 251450.

Submission:

Labcorp Genetics (formerly Invitae), Labcorp
Classification: Likely pathogenic for Desbuquois dysplasia 1. Last evaluated: 2025-03-26. Review status: criteria provided, single submitter. Criteria: Invitae Variant Classification Sherloc (09022015). Collection method: clinical testing. Allele origin: germline.
Comment: This sequence change affects a donor splice site in intron 2 of the XYLT1 gene. It is expected to disrupt RNA splicing. Variants that disrupt the donor or acceptor splice site typically lead to a loss of protein function (PMID: 16199547), and loss-of-function variants in XYLT1 are known to be pathogenic (PMID: 24581741, 26601923). This variant is not present in population databases (gnomAD no frequency). This variant has not been reported in the literature in individuals affected with XYLT1-related conditions. Algorithms developed to predict the effect of sequence changes on RNA splicing suggest that this variant may disrupt the consensus splice site. In summary, the currently available evidence indicates that the variant is pathogenic, but additional data are needed to prove that conclusively. Therefore, this variant has been classified as Likely Pathogenic.

Literature cited by the submitters: PubMed 16199547; PubMed 24581741; PubMed 26601923.